The following is an entry in ClinVar:

NM_001655.5(ARCN1):c.1395C>G (p.Phe465Leu)

Gene: ARCN1 (archain 1 coat protein complex I subunit delta; plus strand). Cytogenetic location: 11q23.3.
Variant type: single nucleotide variant.
Coding change: c.1395C>G on transcript NM_001655.5 (MANE Select); coding-DNA position 1395, C replaced by G.
Protein change: p.Phe465Leu; replaces phenylalanine 465 with leucine.
Molecular consequence: missense variant. On other transcripts: non-coding transcript variant (2), intron variant (3).
Genome position (GRCh38, 1-based): chr11:118,597,860, C>G. VCF-style: chr11-118597860-C-G. GRCh37 (hg19) VCF-style: chr11-118468575-C-G.
Other names: c.1131C>G, p.Phe377Leu (NM_001142281.2); c.1458C>G, p.Phe486Leu (NM_001425073.1); c.1392C>G, p.Phe464Leu (NM_001425074.1); c.1338C>G, p.Phe446Leu (NM_001425075.1); c.1326C>G, p.Phe442Leu (NM_001425076.1); c.1230C>G, p.Phe410Leu (NM_001425077.1); c.951C>G, p.Phe317Leu (NM_001425080.1); c.1242-2765C>G (NM_001425078.1); and 2 more; short protein forms F317L, F377L, F410L, F442L, F446L, F464L, F465L, F486L.
Identifiers: ClinVar variation 3351585 (VCV003351585.2).

ClinVar aggregate classification (germline): Uncertain significance. Review status: criteria provided, single submitter (1 of 4 stars). 2 submissions from 2 submitters: Uncertain significance (1). 1 of the submissions does not count toward it. Last evaluated 2025-12-19.

Conditions:
Inborn genetic diseases. Identifiers: MedGen C0950123, MeSH D030342.
ARCN1-related disorder. Also called: ARCN1-related condition.

gnomAD v4.1: 12 of 1,614,180 alleles (0.00074%); highest among the groups gnomAD compares: Non-Finnish European, 0.001%; no homozygotes.

Submissions (2):

Ambry Genetics
Classification: Uncertain significance for Inborn genetic diseases. Last evaluated: 2025-12-19. Review status: criteria provided, single submitter. Criteria: Ambry Variant Classification Scheme 2023. Collection method: clinical testing. Allele origin: germline.

PreventionGenetics, part of Exact Sciences
Classification: Uncertain significance for ARCN1-related condition. Last evaluated: 2024-05-24. Review status: no assertion criteria provided. Collection method: clinical testing. Allele origin: germline. Not counted in ClinVar's aggregate classification.
Comment: The ARCN1 c.1395C>G variant is predicted to result in the amino acid substitution p.Phe465Leu. To our knowledge, this variant has not been reported in the literature or in a large population database, indicating this variant is rare. At this time, the clinical significance of this variant is uncertain due to the absence of conclusive functional and genetic evidence.